The following is an entry in ClinVar:

NM_000288.4(PEX7):c.458del (p.Gly153fs)

Gene: PEX7 (peroxisomal biogenesis factor 7; plus strand). Cytogenetic location: 6q23.3.
Variant type: Deletion.
Coding change: c.458del on transcript NM_000288.4 (MANE Select); coding-DNA position 458, one base deleted (G; older notation c.458delG).
Protein change: p.Gly153fs; shifts the reading frame from glycine 153.
Molecular consequence: frameshift variant.
Genome position (GRCh38, 1-based): chr6:136,846,113, G deleted; the last of 2 consecutive G bases (chr6:136,846,112-136,846,113); deleting either gives the same sequence. VCF-style (leftmost placement, unchanged base first): chr6-136846111-AG-A. GRCh37 (hg19) VCF-style: chr6-137167249-AG-A.
Other names: c.344del, p.Gly115fs (NM_001410945.1); short protein forms G115fs, G153fs.
Identifiers: ClinVar variation 5013367 (VCV005013367.1).

ClinVar aggregate classification (germline): Pathogenic (1 of 4 stars; one submission).

Conditions:
Peroxisome biogenesis disorder. Identifiers: Orphanet 79189, MedGen C1832200, MONDO:0019234. Disease mechanism: loss of function.

Submission:

Myriad Genetics, Inc.
Classification: Pathogenic for Peroxisome biogenesis disorder. Last evaluated: 2024-07-25. Review status: criteria provided, single submitter. Criteria: Myriad Autosomal Dominant, Autosomal Recessive and X-Linked Classification Criteria (2023). Collection method: clinical testing. Allele origin: unknown.
Comment: NM_000288.3(PEX7):c.458delG(G153Afs*28) is expected to be pathogenic in the context of PEX7-related disorders. This variant is predicted to lead to an abnormal or absent protein product due to the creation of a premature termination codon in PEX7, a gene where loss-of-function variants are known to be pathogenic. Please note: this variant was assessed in the context of healthy population screening.